The following is an entry in ClinVar:

ClinVar aggregate classification (germline): Pathogenic (1 of 4 stars; one submission).

Conditions:
Deficiency of acetyl-CoA acetyltransferase. Also called: MITOCHONDRIAL ACETOACETYL-CoA THIOLASE DEFICIENCY; 3-KETOTHIOLASE DEFICIENCY; 3-OXOTHIOLASE DEFICIENCY; Beta-ketothiolase deficiency. Identifiers: Orphanet 134, MedGen C1536500, MONDO:0008760, OMIM 203750. Disease mechanism: loss of function.

Submission:

Labcorp Genetics (formerly Invitae), Labcorp
Classification: Pathogenic for Deficiency of acetyl-CoA acetyltransferase. Last evaluated: 2021-06-06. Review status: criteria provided, single submitter. Criteria: Invitae Variant Classification Sherloc (09022015). Collection method: clinical testing. Allele origin: germline.
Comment: For these reasons, this variant has been classified as Pathogenic. This variant has not been reported in the literature in individuals with ACAT1-related conditions. This variant is a gross deletion of the genomic region encompassing exon(s) 7-8 of the ACAT1 gene. This deletion is out-of-frame, and is expected to create a premature translational stop signal and result in an absent or disrupted protein product. Loss-of-function variants in ACAT1 are known to be pathogenic (PMID: 7749408).

Literature cited by the submitters: PubMed 7749408.

NC_000011.9:g.(?_108010782)_(108012437_?)del

Gene: ACAT1 (acetyl-CoA acetyltransferase 1; plus strand). Cytogenetic location: 11q22.3.
Variant type: Deletion.
Identifiers: ClinVar variation 1459346 (VCV001459346.6).